The following is an entry in ClinVar:

NM_017617.5(NOTCH1):c.2220C>A (p.Asp740Glu)

Gene: NOTCH1 (notch receptor 1; minus strand). Cytogenetic location: 9q34.3.
Variant type: single nucleotide variant.
Coding change: c.2220C>A on transcript NM_017617.5 (MANE Select); coding-DNA position 2220, C replaced by A.
Protein change: p.Asp740Glu; replaces aspartic acid 740 with glutamic acid.
Molecular consequence: missense variant.
Genome position (GRCh38, 1-based): chr9:136,513,525, G>T on the plus strand (C>A on the coding strand, the complement: NOTCH1 is on the minus strand). VCF-style: chr9-136513525-G-T. GRCh37 (hg19) VCF-style: chr9-139407977-G-T.
Other names: short protein forms D740E.
Identifiers: ClinVar variation 2772808 (VCV002772808.3), dbSNP rs2540453133, ClinGen allele CA375557365.
Genomic context (GRCh38, chr9:136,513,525, plus strand): 5'-GTTGGATTCACACTCATTGTTGTTGATGTCACAGTTGGTCCCACTCCACCCAGGGTCACA[G>T]TCGCACTTGTACCTGCAAGGGGGACCACACTGCAGGTCGAGGGAGGCCCGAGCAGCACGG-3'
Protein context (NP_060087.3, residues 730-750): CRDSLNGYKC[Asp740Glu]CDPGWSGTNC

ClinVar aggregate classification (germline): Uncertain significance (1 of 4 stars; one submission).

Conditions:
Adams-Oliver syndrome 5 (AOS5). Identifiers: Orphanet 974, MedGen C4014970, MONDO:0014459, OMIM 616028.

Allele frequency attached by ClinVar (database versions not stated): gnomAD exomes below 0.00001.
gnomAD v4.1: 1 of 1,613,092 alleles (0.000062%); no homozygotes.

Submission:

Labcorp Genetics (formerly Invitae), Labcorp
Classification: Uncertain significance for Adams-Oliver syndrome 5. Last evaluated: 2024-12-02. Review status: criteria provided, single submitter. Criteria: Invitae Variant Classification Sherloc (09022015). Collection method: clinical testing. Allele origin: germline.
Comment: This sequence change replaces aspartic acid, which is acidic and polar, with glutamic acid, which is acidic and polar, at codon 740 of the NOTCH1 protein (p.Asp740Glu). This variant is not present in population databases (gnomAD no frequency). This variant has not been reported in the literature in individuals affected with NOTCH1-related conditions. ClinVar contains an entry for this variant (Variation ID: 2772808). Invitae Evidence Modeling of protein sequence and biophysical properties (such as structural, functional, and spatial information, amino acid conservation, physicochemical variation, residue mobility, and thermodynamic stability) indicates that this missense variant is not expected to disrupt NOTCH1 protein function with a negative predictive value of 80%. In summary, the available evidence is currently insufficient to determine the role of this variant in disease. Therefore, it has been classified as a Variant of Uncertain Significance.